The following is an entry in ClinVar:

ClinVar aggregate classification (germline): Uncertain significance. Review status: criteria provided, multiple submitters, no conflicts (2 of 4 stars). 2 submissions from 2 submitters: Uncertain significance (2). Last evaluated 2026-07-07.

Conditions:
Hereditary cancer-predisposing syndrome. Also called: Neoplastic Syndromes, Hereditary; Hereditary Cancer Syndrome; Tumor predisposition; Hereditary neoplastic syndrome. Identifiers: Orphanet 140162, MedGen C0027672, MeSH D009386, MONDO:0015356.
Fanconi anemia complementation group J. Also called: BRIP1-Related Fanconi Anemia. Identifiers: Orphanet 84, MedGen C1836860, MONDO:0012187, OMIM 609054.
Familial cancer of breast. Also called: BREAST CANCER, FAMILIAL; hereditary breast carcinoma; Hereditary breast cancer. Identifiers: Orphanet 227535, MedGen C0346153, MONDO:0016419, OMIM 114480. Disease mechanism: loss of function.

Submissions (2):

Ambry Genetics
Classification: Uncertain significance for Hereditary cancer-predisposing syndrome. Last evaluated: 2026-07-07. Review status: criteria provided, single submitter. Criteria: Ambry Variant Classification Scheme 2023. Collection method: clinical testing. Allele origin: germline.
Comment: The p.P1236S variant (also known as c.3706C>T), located in coding exon 19 of the BRIP1 gene, results from a C to T substitution at nucleotide position 3706. The proline at codon 1236 is replaced by serine, an amino acid with similar properties. This amino acid position is conserved. In addition, this alteration is predicted to be tolerated by in silico analysis. Based on the available evidence, the clinical significance of this variant remains unclear.

Labcorp Genetics (formerly Invitae), Labcorp
Classification: Uncertain significance for Familial cancer of breast; Fanconi anemia complementation group J. Last evaluated: 2016-08-21. Review status: criteria provided, single submitter. Criteria: Invitae Variant Classification Sherloc (09022015). Collection method: clinical testing. Allele origin: germline.
Comment: In summary, this variant is a novel missense change that is not predicted to affect protein function. There is no indication that it causes disease, but the available evidence is currently insufficient to prove that conclusively. Therefore, it has been classified as a Variant of Uncertain Significance. Algorithms developed to predict the effect of missense changes on protein structure and function (SIFT, PolyPhen-2, Align-GVGD) all suggest that this variant is likely to be tolerated, but these predictions have not been confirmed by published functional studies. This variant is not present in population databases (ExAC no frequency) and has not been reported in the literature in individuals with a BRIP1-related disease. This sequence change replaces proline with serine at codon 1236 of the BRIP1 protein (p.Pro1236Ser). The proline residue is weakly conserved and there is a moderate physicochemical difference between proline and serine.

NM_032043.3(BRIP1):c.3706C>T (p.Pro1236Ser)

Gene: BRIP1 (BRCA1 interacting DNA helicase 1; minus strand). Cytogenetic location: 17q23.2.
Variant type: single nucleotide variant.
Coding change: c.3706C>T on transcript NM_032043.3 (MANE Select); coding-DNA position 3706, C replaced by T.
Protein change: p.Pro1236Ser; replaces proline 1236 with serine.
Molecular consequence: missense variant.
Genome position (GRCh38, 1-based): chr17:61,683,340, G>A on the plus strand (C>T on the coding strand, the complement: BRIP1 is on the minus strand). VCF-style: chr17-61683340-G-A. GRCh37 (hg19) VCF-style: chr17-59760701-G-A.
Other names: short protein forms P1236S.
Identifiers: ClinVar variation 407859 (VCV000407859.11), dbSNP rs1060501771, ClinGen allele CA16615479.
Genomic context (GRCh38, chr17:61,683,340, plus strand): 5'-TGAGAGTTAAGTATTATTACTTAAAACCAGGAAACATGCCTTTATTTTTGGAAGGAGATG[G>A]TTTAAAGTTCTTTATTTCTATTTCATGAGTTTTTCCCAGTTCCAGTTCATTTATCCAAGT-3'
Protein context (NP_114432.2, residues 1226-1246): THEIEIKNFK[Pro1236Ser]SPSKNKGMFP